The following is an entry in ClinVar:

ClinVar aggregate classification (germline): Uncertain significance (1 of 4 stars; one submission).

Conditions:
Muscle AMP deaminase deficiency (MMDD). Also called: AMPD1 DEFICIENCY; ADENOSINE MONOPHOSPHATE DEAMINASE-1 DEFICIENCY, MYOPATHY DUE TO; Myoadenylate deaminase deficiency, myopathy due to; Adenosine monophosphate deaminase 1 deficiency; AMP deaminase 1 deficiency; Adenosine Monophosphate Deaminase 1. Identifiers: Orphanet 45, MedGen C3714933, MONDO:0014220, OMIM 615511.

Submission:

Labcorp Genetics (formerly Invitae), Labcorp
Classification: Uncertain significance for Muscle AMP deaminase deficiency. Last evaluated: 2022-08-08. Review status: criteria provided, single submitter. Criteria: Invitae Variant Classification Sherloc (09022015). Collection method: clinical testing. Allele origin: germline.
Comment: Algorithms developed to predict the effect of sequence changes on RNA splicing suggest that this variant is not likely to affect RNA splicing. This variant has not been reported in the literature in individuals affected with AMPD1-related conditions. This variant is not present in population databases (gnomAD no frequency). In summary, the available evidence is currently insufficient to determine the role of this variant in disease. Therefore, it has been classified as a Variant of Uncertain Significance. This sequence change affects codon 40 of the AMPD1 mRNA. It is a 'silent' change, meaning that it does not change the encoded amino acid sequence of the AMPD1 protein. It affects a nucleotide within the consensus splice site.

NM_000036.3(AMPD1):c.21A>C (p.Pro7=)

Gene: AMPD1 (adenosine monophosphate deaminase 1; minus strand). Cytogenetic location: 1p13.2.
Variant type: single nucleotide variant.
Coding change: c.21A>C on transcript NM_000036.3 (MANE Select); coding-DNA position 21, A replaced by C.
Protein change: p.Pro7=; no amino-acid change (proline 7 retained).
Molecular consequence: synonymous variant.
Genome position (GRCh38, 1-based): chr1:114,695,451, T>G on the plus strand (A>C on the coding strand, the complement: AMPD1 is on the minus strand). VCF-style: chr1-114695451-T-G. GRCh37 (hg19) VCF-style: chr1-115238072-T-G.
Other names: c.21A>C, p.Pro7= (NM_001172626.2).
Identifiers: ClinVar variation 2056568 (VCV002056568.4), dbSNP rs2526409042, ClinGen allele CA419883796.